The following is an entry in ClinVar:

NM_001042492.3(NF1):c.5250C>G (p.Asp1750Glu)

Gene: NF1 (neurofibromin 1; plus strand). Cytogenetic location: 17q11.2.
Variant type: single nucleotide variant.
Coding change: c.5250C>G on transcript NM_001042492.3 (MANE Select); coding-DNA position 5250, C replaced by G.
Protein change: p.Asp1750Glu; replaces aspartic acid 1750 with glutamic acid.
Molecular consequence: missense variant.
Genome position (GRCh38, 1-based): chr17:31,326,234, C>G. VCF-style: chr17-31326234-C-G. GRCh37 (hg19) VCF-style: chr17-29653252-C-G.
Other names: c.5187C>G, p.Asp1729Glu (NM_000267.4); short protein forms D1729E, D1750E.
Identifiers: ClinVar variation 3237820 (VCV003237820.3), dbSNP rs1210732116.
Genomic context (GRCh38, chr17:31,326,234, plus strand): 5'-CTTGGCTTTAGAAGAGGACCTGAAGGTATTCCACAATGCTCTCAAGCTAGCTCACAAAGA[C>G]ACCAAAGTTTCTATTAAAGTAAGTTCCAGTCTGTGTTTTGTAAACGATTCATTGCTTTTC-3'
Protein context (NP_001035957.1, residues 1740-1760): FHNALKLAHK[Asp1750Glu]TKVSIKVGST

ClinVar aggregate classification (germline): Uncertain significance. Review status: criteria provided, multiple submitters, no conflicts (2 of 4 stars). 2 submissions from 2 submitters: Uncertain significance (2). Last evaluated 2026-09-04.

Conditions:
Juvenile myelomonocytic leukemia (JMML). Also called: LEUKEMIA, JUVENILE MYELOMONOCYTIC, SOMATIC. Identifiers: Orphanet 86834, MedGen C0349639, MONDO:0011908, OMIM 607785, HP:0012209.
Cardiovascular phenotype. Identifiers: MedGen CN230736.
Hereditary cancer-predisposing syndrome. Also called: Neoplastic Syndromes, Hereditary; Tumor predisposition; Hereditary Cancer Syndrome; Hereditary neoplastic syndrome. Identifiers: Orphanet 140162, MedGen C0027672, MeSH D009386, MONDO:0015356.

Submissions (2):

Ambry Genetics
Classification: Uncertain significance for Cardiovascular phenotype; Hereditary cancer-predisposing syndrome. Last evaluated: 2026-09-04. Review status: criteria provided, single submitter. Criteria: Ambry Variant Classification Scheme 2023. Collection method: clinical testing. Allele origin: germline.
Comment: The p.D1729E variant (also known as c.5187C>G), located in coding exon 36 of the NF1 gene, results from a C to G substitution at nucleotide position 5187. The aspartic acid at codon 1729 is replaced by glutamic acid, an amino acid with highly similar properties. This amino acid position is highly conserved in available vertebrate species. In addition, this alteration is predicted to be tolerated by in silico analysis. Based on the available evidence, the clinical significance of this variant remains unclear.

Baylor Genetics
Classification: Uncertain significance for Juvenile myelomonocytic leukemia. Last evaluated: 2023-11-27. Review status: criteria provided, single submitter. Criteria: ACMG Guidelines, 2015. Collection method: clinical testing. Allele origin: unknown.